The following is an entry in ClinVar:

NM_001035.3(RYR2):c.5334C>T (p.Tyr1778=)

Gene: RYR2 (ryanodine receptor 2; plus strand). Cytogenetic location: 1q43.
Variant type: single nucleotide variant.
Coding change: c.5334C>T on transcript NM_001035.3 (MANE Select); coding-DNA position 5334, C replaced by T.
Protein change: p.Tyr1778=; no amino-acid change (tyrosine 1778 retained).
Molecular consequence: synonymous variant.
Genome position (GRCh38, 1-based): chr1:237,614,462, C>T. VCF-style: chr1-237614462-C-T. GRCh37 (hg19) VCF-style: chr1-237777762-C-T.
Other names: c.5334C>T, p.Tyr1778= (LRG_402t1).
Identifiers: ClinVar variation 629383 (VCV000629383.13), dbSNP rs756648811, ClinGen allele CA086872.

ClinVar aggregate classification (germline): Likely benign. Review status: criteria provided, multiple submitters, no conflicts (2 of 4 stars). 3 submissions from 3 submitters: Likely benign (3). Last evaluated 2023-10-02.

Conditions:
Catecholaminergic polymorphic ventricular tachycardia (CVPT). Also called: Catecholamine-induced polymorphic ventricular tachycardia. Identifiers: Orphanet 3286, MedGen C5574922, MONDO:0017990.
Catecholaminergic polymorphic ventricular tachycardia 1. Also called: RYR2-Related Catecholaminergic Polymorphic Ventricular Tachycardia; VENTRICULAR TACHYCARDIA, CATECHOLAMINERGIC POLYMORPHIC, 1, WITH OR WITHOUT ATRIAL DYSFUNCTION AND/OR DILATED CARDIOMYOPATHY; VENTRICULAR TACHYCARDIA, STRESS-INDUCED POLYMORPHIC 1. Identifiers: Orphanet 3286, MedGen C1631597, MONDO:0011484, OMIM 604772.
Cardiomyopathy (CMYO). Also called: Cardiomyopathies. Identifiers: Orphanet 167848, MedGen C0878544, MONDO:0004994, HP:0001638. Inheritance: Various modes of inheritance.

Allele frequency attached by ClinVar (database versions not stated): gnomAD exomes below 0.00001; TOPMed below 0.00001; ExAC 0.00001.
gnomAD v4.1: 1 of 1,614,036 alleles (0.000062%); highest among the groups gnomAD compares: Non-Finnish European, 0.000085%; no homozygotes.

Submissions (3):

All of Us Research Program, National Institutes of Health
Classification: Likely benign for Catecholaminergic polymorphic ventricular tachycardia. Last evaluated: 2023-10-02. Review status: criteria provided, single submitter. Criteria: ACMG Guidelines, 2015. Collection method: clinical testing. Allele origin: germline. Inheritance: Autosomal dominant inheritance. Observed: 1 variant allele, 1 heterozygote.
Comment: This study involves interpretation of variants in research participants for the purpose of population health screening. Participant phenotype was not available at the time of variant classification. Additional details can be found in publication PMID: 35346344, PMCID: PMC8962531

Labcorp Genetics (formerly Invitae), Labcorp
Classification: Likely benign for Catecholaminergic polymorphic ventricular tachycardia 1. Last evaluated: 2021-09-26. Review status: criteria provided, single submitter. Criteria: Invitae Variant Classification Sherloc (09022015). Collection method: clinical testing. Allele origin: germline.

Color Diagnostics, LLC DBA Color Health
Classification: Likely benign for Cardiomyopathy. Last evaluated: 2018-09-29. Review status: criteria provided, single submitter. Criteria: ACMG Guidelines, 2015. Collection method: clinical testing. Allele origin: germline.